The following is an entry in ClinVar:

NM_003072.5(SMARCA4):c.688C>G (p.Pro230Ala)

Gene: SMARCA4 (SWI/SNF related BAF chromatin remodeling complex subunit ATPase 4; plus strand). Cytogenetic location: 19p13.2.
Variant type: single nucleotide variant.
Coding change: c.688C>G on transcript NM_003072.5 (MANE Select); coding-DNA position 688, C replaced by G.
Protein change: p.Pro230Ala; replaces proline 230 with alanine.
Molecular consequence: missense variant. On other transcripts: non-coding transcript variant (1).
Genome position (GRCh38, 1-based): chr19:10,986,521, C>G. VCF-style: chr19-10986521-C-G. GRCh37 (hg19) VCF-style: chr19-11097197-C-G.
Other names: c.688C>G, p.Pro230Ala (NM_001128844.3, NM_001128845.2, NM_001128846.2 and 5 more transcripts); short protein forms P230A.
Identifiers: ClinVar variation 470447 (VCV000470447.8), dbSNP rs760294422, ClinGen allele CA404056998.

ClinVar aggregate classification (germline): Uncertain significance. Review status: criteria provided, multiple submitters, no conflicts (2 of 4 stars). 2 submissions from 2 submitters: Uncertain significance (2). Last evaluated 2024-11-05.

Conditions:
Hereditary cancer-predisposing syndrome. Also called: Hereditary neoplastic syndrome; Neoplastic Syndromes, Hereditary; Tumor predisposition; Hereditary Cancer Syndrome. Identifiers: Orphanet 140162, MedGen C0027672, MeSH D009386, MONDO:0015356.
Rhabdoid tumor predisposition syndrome 2 (RTPS2). Identifiers: Orphanet 231108, Orphanet 69077, MedGen C2750074, MONDO:0013224, OMIM 613325.

Allele frequency attached by ClinVar (database versions not stated): gnomAD 0.00001; TOPMed 0.00001.
gnomAD v4.1: 2 of 1,543,904 alleles (0.00013%); highest among the groups gnomAD compares: East Asian, 0.0049%; no homozygotes.

Submissions (2):

Labcorp Genetics (formerly Invitae), Labcorp
Classification: Uncertain significance for Rhabdoid tumor predisposition syndrome 2. Last evaluated: 2024-11-05. Review status: criteria provided, single submitter. Criteria: Invitae Variant Classification Sherloc (09022015). Collection method: clinical testing. Allele origin: germline.
Comment: This sequence change replaces proline, which is neutral and non-polar, with alanine, which is neutral and non-polar, at codon 230 of the SMARCA4 protein (p.Pro230Ala). This variant is present in population databases (no rsID available, gnomAD 0.01%). This variant has not been reported in the literature in individuals affected with SMARCA4-related conditions. ClinVar contains an entry for this variant (Variation ID: 470447). An algorithm developed to predict the effect of missense changes on protein structure and function (PolyPhen-2) suggests that this variant is likely to be disruptive. In summary, the available evidence is currently insufficient to determine the role of this variant in disease. Therefore, it has been classified as a Variant of Uncertain Significance.

Ambry Genetics
Classification: Uncertain significance for Hereditary cancer-predisposing syndrome. Last evaluated: 2024-04-24. Review status: criteria provided, single submitter. Criteria: Ambry Variant Classification Scheme 2023. Collection method: clinical testing. Allele origin: germline.
Comment: The p.P230A variant (also known as c.688C>G), located in coding exon 3 of the SMARCA4 gene, results from a C to G substitution at nucleotide position 688. The proline at codon 230 is replaced by alanine, an amino acid with highly similar properties. This amino acid position is conserved. In addition, this alteration is predicted to be tolerated by in silico analysis. Based on the available evidence, the clinical significance of this variant remains unclear.